The following is an entry in ClinVar:

NM_015272.5(RPGRIP1L):c.3221-4A>G

Gene: RPGRIP1L (RPGRIP1 like; minus strand). Cytogenetic location: 16q12.2.
Variant type: single nucleotide variant.
Coding change: c.3221-4A>G on transcript NM_015272.5 (MANE Select); 4 bases into the intron before coding-DNA position 3221, A replaced by G.
Molecular consequence: intron variant.
Genome position (GRCh38, 1-based): chr16:53,636,516, T>C on the plus strand (A>G on the coding strand, the complement: RPGRIP1L is on the minus strand). VCF-style: chr16-53636516-T-C. GRCh37 (hg19) VCF-style: chr16-53670428-T-C.
Other names: c.3119-4A>G (NM_001127897.4, NM_001330538.2); c.3221-4A>G (NM_001308334.3, NM_015272.4).
Identifiers: ClinVar variation 2050265 (VCV002050265.6), dbSNP rs773938459, ClinGen allele CA8057328.

ClinVar aggregate classification (germline): Uncertain significance. Review status: criteria provided, multiple submitters, no conflicts (2 of 4 stars). 3 submissions from 3 submitters: Uncertain significance (3). Last evaluated 2026-02-11.

Conditions:
Joubert syndrome 7 (JBTS7). Identifiers: Orphanet 220497, MedGen C1969053, MONDO:0012694, OMIM 611560.
COACH syndrome 3. Identifiers: MedGen C5436841, MONDO:0030862, OMIM 619113.
Meckel syndrome, type 5 (MKS5). Identifiers: Orphanet 564, MedGen C1969052, MONDO:0012695, OMIM 611561.
RPGRIP1L-related disorder. Also called: RPGRIP1L-related disorders; RPGRIP1L-related condition. Identifiers: MedGen CN239416.
Joubert syndrome. Also called: Familial aplasia of the vermis; JOUBERT-BOLTSHAUSER SYNDROME. Identifiers: Orphanet 475, MedGen C5979921, MONDO:0018772.
Meckel-Gruber syndrome. Also called: Dysencephalia splachnocystica; DYSENCEPHALIA SPLANCHNOCYSTICA; GRUBER SYNDROME. Identifiers: Orphanet 564, MedGen C0265215, MONDO:0018921.

Allele frequency attached by ClinVar (database versions not stated): TOPMed below 0.00001; ExAC 0.00001; gnomAD 0.00001; gnomAD exomes 0.00001.
gnomAD v4.1: 19 of 1,605,790 alleles (0.0012%); highest among the groups gnomAD compares: Non-Finnish European, 0.0014%; no homozygotes.

Submissions (3):

PreventionGenetics, part of Exact Sciences
Classification: Uncertain significance for RPGRIP1L-related condition. Last evaluated: 2026-02-11. Review status: criteria provided, single submitter. Criteria: ACMG Guidelines, 2015. Collection method: clinical testing. Allele origin: germline.
Comment: The RPGRIP1L c.3221-4A>G variant is predicted to interfere with splicing. This variant is predicted to impact splicing based on splicing prediction programs (SpliceAI, Jaganathan K, et al. 2019. PubMed ID: 30661751). To our knowledge, this variant has not been reported in the literature. This variant is reported in 0.0054% of alleles in individuals of East Asian descent in gnomAD. At this time, the clinical significance of this variant is uncertain due to the absence of conclusive functional and genetic evidence.

Labcorp Genetics (formerly Invitae), Labcorp
Classification: Uncertain significance for Joubert syndrome; Meckel-Gruber syndrome. Last evaluated: 2024-02-24. Review status: criteria provided, single submitter. Criteria: Invitae Variant Classification Sherloc (09022015). Collection method: clinical testing. Allele origin: germline.
Comment: This sequence change falls in intron 21 of the RPGRIP1L gene. It does not directly change the encoded amino acid sequence of the RPGRIP1L protein. This variant is not present in population databases (gnomAD no frequency). This variant has not been reported in the literature in individuals affected with RPGRIP1L-related conditions. ClinVar contains an entry for this variant (Variation ID: 2050265). Algorithms developed to predict the effect of sequence changes on RNA splicing suggest that this variant may disrupt the consensus splice site. In summary, the available evidence is currently insufficient to determine the role of this variant in disease. Therefore, it has been classified as a Variant of Uncertain Significance.

Fulgent Genetics
Classification: Uncertain significance for Joubert syndrome 7; Meckel syndrome, type 5; COACH syndrome 3. Last evaluated: 2024-01-24. Review status: criteria provided, single submitter. Criteria: ACMG Guidelines, 2015. Collection method: clinical testing. Allele origin: germline.